The following is an entry in ClinVar:

NM_001080510.5(METTL23):c.139_142del (p.Val47fs)

Gene: METTL23 (methyltransferase 23, arginine; plus strand). Cytogenetic location: 17q25.1.
Variant type: Deletion.
Coding change: c.139_142del on transcript NM_001080510.5 (MANE Select); coding-DNA positions 139 to 142, 4 bases deleted (GTAA; older notation c.139_142delGTAA).
Protein change: p.Val47fs; shifts the reading frame from valine 47.
Molecular consequence: frameshift variant. On other transcripts: 5 prime UTR variant (5).
Genome position (GRCh38, 1-based): chr17:76,733,032-76,733,035, GTAA deleted; deleting any 4 consecutive bases within chr17:76,733,030-76,733,035 gives the same sequence; the c. name uses the placement nearest the transcript's 3' end. VCF-style (leftmost placement, unchanged base first): chr17-76733029-GAAGT-G. GRCh37 (hg19) VCF-style: chr17-74729111-GAAGT-G.
Other names: c.139_142del, p.Val47fs (NM_001206983.3, NM_001206984.3, NM_001302703.2 and 2 more transcripts); c.-63_-60del (NM_001206985.3, NM_001206986.3, NM_001206987.3 and 2 more transcripts); c.127_130del, p.Val43fs (NM_001302705.2, NM_001378350.1, NM_001378351.1 and 2 more transcripts); short protein forms V43fs, V47fs.
Identifiers: ClinVar variation 1218200 (VCV001218200.5), dbSNP rs745562898, ClinGen allele CA8790073.
Genomic context (GRCh38, chr17:76,733,029, plus strand): 5'-ACTTATTAGATTGGAGCTGGAGTGAGCCTTCCAGGAATTTTGGCTGCCAAATGTGGTGCA[GAAGT>G]AATACTGTCAGACAGCTCAGAACTGCCTCACTGTCTGGAAGTCTGTCGGCAAAGCTGCCA-3'

ClinVar aggregate classification (germline): Conflicting classifications of pathogenicity. Review status: criteria provided, conflicting classifications (1 of 4 stars). 2 submissions from 2 submitters: Likely pathogenic (1); Uncertain significance (1). Last evaluated 2025-06-24.

Submissions (2):

Dasa
Classification: Likely pathogenic. Last evaluated: 2025-06-24. Review status: criteria provided, single submitter. Criteria: DASA Assertion Criteria. Collection method: clinical testing. Allele origin: germline.
Comment: NM_001080510.5(METTL23):c.139_142del (p.Val47Tyrfs*21) is a frameshift variant in METTL23 predicted to alter the reading frame and introduce a premature termination codon and is predicted to result in an absent or altered protein product. Loss of function is an established disease mechanism for METTL23-associated disorders. Also, this variant is rare in population databases. Based on the currently available evidence, this variant is classified as likely pathogenic.

GeneDx
Classification: Uncertain significance. Last evaluated: 2020-04-29. Review status: criteria provided, single submitter. Criteria: GeneDx Variant Classification Process June 2021. Collection method: clinical testing. Allele origin: germline. Affected: yes.
Comment: Frameshift variant predicted to result in protein truncation in a gene for which loss-of-function is a known mechanism of disease; Has not been previously published as pathogenic or benign to our knowledge